The following is an entry in ClinVar:

ClinVar aggregate classification (germline): Pathogenic. Review status: criteria provided, multiple submitters, no conflicts (2 of 4 stars). 2 submissions from 2 submitters: Pathogenic (2). Last evaluated 2022-09-27.

Conditions:
Osteogenesis imperfecta type I (OI1). Also called: Lobstein's Disease; Osteogenesis imperfecta type 1; Lobstein disease; OI, TYPE I; OSTEOGENESIS IMPERFECTA TARDA; OSTEOGENESIS IMPERFECTA WITH BLUE SCLERAE. Identifiers: Orphanet 216796, Orphanet 666, MedGen C0023931, MONDO:0008146, OMIM 166200. Disease mechanism: loss of function.
Combined osteogenesis imperfecta and Ehlers-Danlos syndrome 1. Also called: OIEDS SYNDROME 1. Identifiers: MedGen C5436842, MONDO:0030854, OMIM 619115.

Submissions (2):

Institute for Medical Genetics and Human Genetics, Charité - Universitätsmedizin Berlin
Classification: Pathogenic for Combined osteogenesis imperfecta and Ehlers-Danlos syndrome 1. Last evaluated: 2022-09-27. Review status: criteria provided, single submitter. Criteria: ACMG Guidelines, 2015. Collection method: clinical testing. Allele origin: germline. Inheritance: Autosomal dominant inheritance. Affected: yes. Observed: 1 heterozygote.

Labcorp Genetics (formerly Invitae), Labcorp
Classification: Pathogenic for Osteogenesis imperfecta type I. Last evaluated: 2022-02-24. Review status: criteria provided, single submitter. Criteria: Invitae Variant Classification Sherloc (09022015). Collection method: clinical testing. Allele origin: germline.
Comment: For these reasons, this variant has been classified as Pathogenic. Algorithms developed to predict the effect of sequence changes on RNA splicing suggest that this variant may disrupt the consensus splice site. Disruption of this splice site has been observed in individuals with clinical features of osteogenesis imperfecta (PMID: 26799614; Invitae). This variant is not present in population databases (gnomAD no frequency). This sequence change affects an acceptor splice site in intron 49 of the COL1A1 gene. It is expected to disrupt RNA splicing. Variants that disrupt the donor or acceptor splice site typically lead to a loss of protein function (PMID: 16199547), and loss-of-function variants in COL1A1 are known to be pathogenic (PMID: 7942841, 9295084, 9443882).

Literature cited by the submitters: PubMed 26799614 (cited by Labcorp Genetics (formerly Invitae), Labcorp); PubMed 16199547 (cited by Labcorp Genetics (formerly Invitae), Labcorp); PubMed 7942841 (cited by Labcorp Genetics (formerly Invitae), Labcorp); PubMed 9295084 (cited by Labcorp Genetics (formerly Invitae), Labcorp); PubMed 9443882 (cited by Labcorp Genetics (formerly Invitae), Labcorp).

NM_000088.4(COL1A1):c.4006-1G>A

Gene: COL1A1 (collagen type I alpha 1 chain; minus strand). Cytogenetic location: 17q21.33.
Variant type: single nucleotide variant.
Coding change: c.4006-1G>A on transcript NM_000088.4 (MANE Select); the canonical splice acceptor site of the intron before coding-DNA position 4006, G replaced by A.
Molecular consequence: splice acceptor variant.
Genome position (GRCh38, 1-based): chr17:50,186,021, C>T on the plus strand (G>A on the coding strand, the complement: COL1A1 is on the minus strand). VCF-style: chr17-50186021-C-T. GRCh37 (hg19) VCF-style: chr17-48263382-C-T.
Identifiers: ClinVar variation 1708499 (VCV001708499.8), dbSNP rs2509157718, ClinGen allele CA400192896.